The following is an entry in ClinVar:

NM_000059.4(BRCA2):c.6T>G (p.Pro2=)

Gene: BRCA2 (BRCA2 DNA repair associated; plus strand). Cytogenetic location: 13q13.1.
Variant type: single nucleotide variant.
Coding change: c.6T>G on transcript NM_000059.4 (MANE Select); coding-DNA position 6, T replaced by G.
Protein change: p.Pro2=; no amino-acid change (proline 2 retained).
Molecular consequence: synonymous variant. On other transcripts: non-coding transcript variant (1), intron variant (1).
Genome position (GRCh38, 1-based): chr13:32,316,466, T>G. VCF-style: chr13-32316466-T-G. GRCh37 (hg19) VCF-style: chr13-32890603-T-G.
Other names: c.6T>G, p.Pro2= (NM_001406719.1, NM_001406720.1, NM_001406721.1 and 1 more transcripts); c.-303+799T>G (NM_001406722.1).
Identifiers: ClinVar variation 3992791 (VCV003992791.2).

ClinVar aggregate classification (germline): Conflicting classifications of pathogenicity. Review status: criteria provided, conflicting classifications (1 of 4 stars). 2 submissions from 2 submitters: Uncertain significance (1); Likely benign (1). Last evaluated 2025-04-05.

Conditions:
Hereditary cancer-predisposing syndrome. Also called: Tumor predisposition; Hereditary neoplastic syndrome; Neoplastic Syndromes, Hereditary; Hereditary Cancer Syndrome. Identifiers: Orphanet 140162, MedGen C0027672, MeSH D009386, MONDO:0015356.

Submissions (2):

Ambry Genetics
Classification: Likely benign for Hereditary cancer-predisposing syndrome. Last evaluated: 2025-04-05. Review status: criteria provided, single submitter. Criteria: Ambry Variant Classification Scheme 2023. Collection method: clinical testing. Allele origin: germline.

Quest Diagnostics Nichols Institute San Juan Capistrano
Classification: Uncertain significance. Last evaluated: 2025-02-17. Review status: criteria provided, single submitter. Criteria: Quest Diagnostics criteria. Collection method: clinical testing. Allele origin: unknown.
Comment: The BRCA2 c.6T>G (p.Pro2=) synonymous variant has been reported in one reportedly healthy individual (PMID: 31214711 (2020)), but has not been reported in the published literature in individuals with BRCA2-related conditions to the best of our knowledge.. It also has not been reported in large, multi-ethnic general populations (Genome Aggregation Database). Analysis of this variant using software algorithms for the prediction of the effect of nucleotide changes on splicing yielded predictions that this variant does not affect BRCA2 mRNA splicing. Based on the available information, we are unable to determine the clinical significance of this variant.

Literature cited by the submitters: PubMed 31214711 (cited by Quest Diagnostics Nichols Institute San Juan Capistrano); PubMed 36446827 (cited by Quest Diagnostics Nichols Institute San Juan Capistrano).